The following is an entry in ClinVar:

NM_001329943.3(KIAA0586):c.3843T>A (p.His1281Gln)

Gene: KIAA0586 (KIAA0586; plus strand). Cytogenetic location: 14q23.1.
Variant type: single nucleotide variant.
Coding change: c.3843T>A on transcript NM_001329943.3 (MANE Select); coding-DNA position 3843, T replaced by A.
Protein change: p.His1281Gln; replaces histidine 1281 with glutamine.
Molecular consequence: missense variant.
Genome position (GRCh38, 1-based): chr14:58,490,225, T>A. VCF-style: chr14-58490225-T-A. GRCh37 (hg19) VCF-style: chr14-58956943-T-A.
Other names: c.4002T>A, p.His1334Gln (NM_001244189.2); c.3798T>A, p.His1266Gln (NM_001244190.2); c.3588T>A, p.His1196Gln (NM_001244191.2, NM_001329945.2, NM_001364700.1 and 1 more transcripts); c.3711T>A, p.His1237Gln (NM_001244192.2); c.3423T>A, p.His1141Gln (NM_001244193.2); c.3843T>A, p.His1281Gln (NM_001329944.2, NM_001329946.2, NM_001329947.2); c.3615T>A, p.His1205Gln (NM_014749.5); short protein forms H1266Q, H1141Q, H1281Q, H1334Q, H1237Q, H1196Q, H1205Q.
Identifiers: ClinVar variation 1975837 (VCV001975837.6), dbSNP rs2543726315, ClinGen allele CA389883511.
Genomic context (GRCh38, chr14:58,490,225, plus strand): 5'-TTTAGAAGATATAGGACTGTACCTGACAAACCTTAATGATAGCTTATCCAGCACTCTGCA[T>A]GATGCCGTTGAAATGGTAAGTAACGATTGACTCCAACACTGAATTCTGACAGGAAGAATA-3'
Protein context (NP_001316872.1, residues 1271-1291): NLNDSLSSTL[His1281Gln]DAVEMEDDPP

ClinVar aggregate classification (germline): Uncertain significance. Review status: criteria provided, multiple submitters, no conflicts (2 of 4 stars). 2 submissions from 2 submitters: Uncertain significance (2). Last evaluated 2022-07-21.

Conditions:
Joubert syndrome 23 (JBTS23). Identifiers: Orphanet 475, MedGen C4084822, MONDO:0014664, OMIM 616490.
Short-rib thoracic dysplasia 14 with polydactyly (SRTD14). Identifiers: Orphanet 397715, MedGen C4225286, MONDO:0014688, OMIM 616546.

Submissions (2):

Labcorp Genetics (formerly Invitae), Labcorp
Classification: Uncertain significance for Joubert syndrome 23; Short-rib thoracic dysplasia 14 with polydactyly. Last evaluated: 2022-07-21. Review status: criteria provided, single submitter. Criteria: Invitae Variant Classification Sherloc (09022015). Collection method: clinical testing. Allele origin: germline.
Comment: In summary, the available evidence is currently insufficient to determine the role of this variant in disease. Therefore, it has been classified as a Variant of Uncertain Significance. Algorithms developed to predict the effect of missense changes on protein structure and function output the following: SIFT: "Tolerated"; PolyPhen-2: "Benign"; Align-GVGD: "Class C0". The glutamine amino acid residue is found in multiple mammalian species, which suggests that this missense change does not adversely affect protein function. This variant has not been reported in the literature in individuals affected with KIAA0586-related conditions. This variant is not present in population databases (gnomAD no frequency). This sequence change replaces histidine, which is basic and polar, with glutamine, which is neutral and polar, at codon 1334 of the KIAA0586 protein (p.His1334Gln).

Breakthrough Genomics
Classification: Uncertain significance. Review status: criteria provided, single submitter. Criteria: ACMG Guidelines, 2015. Collection method: not provided. Allele origin: germline. Inheritance: Autosomal recessive inheritance. Affected: yes.